The following is an entry in ClinVar:

NM_001257096.2(PAX1):c.256_257del (p.Ala86fs)

Gene: PAX1 (paired box 1; plus strand). Cytogenetic location: 20p11.22.
Variant type: Microsatellite.
Coding change: c.256_257del on transcript NM_001257096.2 (MANE Select); coding-DNA positions 256 to 257, 2 bases deleted (GC; older notation c.256_257delGC).
Protein change: p.Ala86fs; shifts the reading frame from alanine 86.
Molecular consequence: frameshift variant.
Genome position (GRCh38, 1-based): chr20:21,705,968-21,705,969, GC deleted; deleting any 2 consecutive bases within chr20:21,705,966-21,705,969 gives the same sequence; the c. name uses the placement nearest the transcript's 3' end. VCF-style (leftmost placement, unchanged base first): chr20-21705965-GGC-G. GRCh37 (hg19) VCF-style: chr20-21686603-GGC-G.
Other names: c.256_257del, p.Ala86fs (NM_006192.5); short protein forms A86fs.
Identifiers: ClinVar variation 4773465 (VCV004773465.1).

ClinVar aggregate classification (germline): Pathogenic (1 of 4 stars; one submission).

Submission:

Labcorp Genetics (formerly Invitae), Labcorp
Classification: Pathogenic. Last evaluated: 2025-05-19. Review status: criteria provided, single submitter. Criteria: Invitae Variant Classification Sherloc (09022015). Collection method: clinical testing. Allele origin: germline.
Comment: This sequence change creates a premature translational stop signal (p.Ala86Glnfs*49) in the PAX1 gene. It is expected to result in an absent or disrupted protein product. Loss-of-function variants in PAX1 are known to be pathogenic (PMID: 1889089, 23851939, 28657137, 29681087). This variant is not present in population databases (gnomAD no frequency). This variant has not been reported in the literature in individuals affected with PAX1-related conditions. For these reasons, this variant has been classified as Pathogenic.

Literature cited by the submitters: PubMed 1889089; PubMed 23851939; PubMed 28657137; PubMed 29681087.